The following is an entry in ClinVar:

ClinVar aggregate classification (germline): Uncertain significance (1 of 4 stars; one submission).

Conditions:
Hereditary cancer-predisposing syndrome. Also called: Neoplastic Syndromes, Hereditary; Tumor predisposition; Hereditary Cancer Syndrome; Hereditary neoplastic syndrome. Identifiers: Orphanet 140162, MedGen C0027672, MeSH D009386, MONDO:0015356.

Submission:

Ambry Genetics
Classification: Uncertain significance for Hereditary cancer-predisposing syndrome. Last evaluated: 2024-08-07. Review status: criteria provided, single submitter. Criteria: Ambry Variant Classification Scheme 2023. Collection method: clinical testing. Allele origin: germline.
Comment: The p.Y2H variant (also known as c.4T>C), located in coding exon 1 of the PHOX2B gene, results from a T to C substitution at nucleotide position 4. The tyrosine at codon 2 is replaced by histidine, an amino acid with similar properties. This amino acid position is highly conserved in available vertebrate species. In addition, this alteration is predicted to be deleterious by in silico analysis. Based on the available evidence, the clinical significance of this variant remains unclear.

NM_003924.4(PHOX2B):c.4T>C (p.Tyr2His)

Genes: PHOX2B (paired like homeobox 2B; minus strand), PHOX2B-AS1 (PHOX2B antisense RNA 1; plus strand). Cytogenetic location: 4p13.
Variant type: single nucleotide variant.
Coding change: c.4T>C on transcript NM_003924.4 (MANE Select); coding-DNA position 4, T replaced by C.
Protein change: p.Tyr2His; replaces tyrosine 2 with histidine.
Molecular consequence: missense variant.
Genome position (GRCh38, 1-based): chr4:41,748,607, A>G on the plus strand (T>C on the coding strand, the complement: PHOX2B is on the minus strand). VCF-style: chr4-41748607-A-G. GRCh37 (hg19) VCF-style: chr4-41750624-A-G.
Other names: short protein forms Y2H.
Identifiers: ClinVar variation 3417935 (VCV003417935.1).